The following is an entry in ClinVar:

ClinVar aggregate classification (germline): Pathogenic (1 of 4 stars; one submission).

gnomAD v4.1: 9 of 1,614,038 alleles (0.00056%); highest among the groups gnomAD compares: Admixed American, 0.01%; no homozygotes.

Submission:

GeneDx
Classification: Pathogenic. Last evaluated: 2026-04-21. Review status: criteria provided, single submitter. Criteria: GeneDx Variant Classification Process June 2021. Collection method: clinical testing. Allele origin: germline.
Comment: Canonical splice site variant predicted to result in a null allele in a gene for which loss of function is a known mechanism of disease; This variant is associated with the following publications: (PMID: 41291844)

NM_024041.4(SCNM1):c.212-1G>A

Genes: SCNM1 (sodium channel modifier 1; plus strand), TNFAIP8L2-SCNM1 (TNFAIP8L2-SCNM1 readthrough; plus strand). Cytogenetic location: 1q21.3.
Variant type: single nucleotide variant.
Coding change: c.212-1G>A on transcript NM_024041.4 (MANE Select); the canonical splice acceptor site of the intron before coding-DNA position 212, G replaced by A.
Molecular consequence: splice acceptor variant.
Genome position (GRCh38, 1-based): chr1:151,167,120, G>A. VCF-style: chr1-151167120-G-A. GRCh37 (hg19) VCF-style: chr1-151139596-G-A.
Other names: c.107-1G>A (NM_001204848.2, NM_001204856.2).
Identifiers: ClinVar variation 4686761 (VCV004686761.2).
Genomic context (GRCh38, chr1:151,167,120, plus strand): 5'-CGAAATCTCTGCACACCACTCTTGGTGCTATGCTTTTAATTCTGTTTCCCTTTCTCCTCA[G>A]GCTTGCAGCTTTTCTATGGCAAGAAGCAGCCGGGAAAGGAAAGAAAGCAGAATCCAAAAC-3'